The following is an entry in ClinVar:

ClinVar aggregate classification (germline): Uncertain significance (1 of 4 stars; one submission).

Conditions:
Left ventricular noncompaction 8 (LVNC8). Identifiers: Orphanet 154, Orphanet 54260, MedGen C3809288, MONDO:0014152, OMIM 615373.

gnomAD v4.1: 1 of 1,613,642 alleles (0.000062%); highest among the groups gnomAD compares: Admixed American, 0.0017%; no homozygotes.

Submission:

Labcorp Genetics (formerly Invitae), Labcorp
Classification: Uncertain significance for Left ventricular noncompaction 8. Last evaluated: 2022-08-17. Review status: criteria provided, single submitter. Criteria: Invitae Variant Classification Sherloc (09022015). Collection method: clinical testing. Allele origin: germline.
Comment: This variant is not present in population databases (gnomAD no frequency). This variant has not been reported in the literature in individuals affected with PRDM16-related conditions. Algorithms developed to predict the effect of missense changes on protein structure and function are either unavailable or do not agree on the potential impact of this missense change (SIFT: "Deleterious"; PolyPhen-2: "Possibly Damaging"; Align-GVGD: "Class C15"). In summary, the available evidence is currently insufficient to determine the role of this variant in disease. Therefore, it has been classified as a Variant of Uncertain Significance. This sequence change replaces glycine, which is neutral and non-polar, with aspartic acid, which is acidic and polar, at codon 717 of the PRDM16 protein (p.Gly717Asp).

NM_022114.4(PRDM16):c.2150G>A (p.Gly717Asp)

Gene: PRDM16 (PR/SET domain 16; plus strand). Cytogenetic location: 1p36.32.
Variant type: single nucleotide variant.
Coding change: c.2150G>A on transcript NM_022114.4 (MANE Select); coding-DNA position 2150, G replaced by A.
Protein change: p.Gly717Asp; replaces glycine 717 with aspartic acid.
Molecular consequence: missense variant.
Genome position (GRCh38, 1-based): chr1:3,412,347, G>A. VCF-style: chr1-3412347-G-A. GRCh37 (hg19) VCF-style: chr1-3328911-G-A.
Other names: c.2150G>A, p.Gly717Asp (NM_199454.3); short protein forms G717D.
Identifiers: ClinVar variation 1948659 (VCV001948659.5), dbSNP rs746583494, ClinGen allele CA16967526.